The following is an entry in ClinVar:

ClinVar aggregate classification (germline): Uncertain significance (1 of 4 stars; one submission).

gnomAD v4.1: 1 of 1,576,062 alleles (0.000063%); highest among the groups gnomAD compares: Non-Finnish European, 0.000086%; no homozygotes.

Submission:

Labcorp Genetics (formerly Invitae), Labcorp
Classification: Uncertain significance. Last evaluated: 2025-08-12. Review status: criteria provided, single submitter. Criteria: Invitae Variant Classification Sherloc (09022015). Collection method: clinical testing. Allele origin: germline.
Comment: This sequence change replaces isoleucine, which is neutral and non-polar, with threonine, which is neutral and polar, at codon 394 of the ANGPT1 protein (p.Ile394Thr). This variant is not present in population databases (gnomAD no frequency). This variant has not been reported in the literature in individuals affected with ANGPT1-related conditions. An algorithm developed to predict the effect of missense changes on protein structure and function (PolyPhen-2) suggests that this variant is likely to be disruptive. In summary, the available evidence is currently insufficient to determine the role of this variant in disease. Therefore, it has been classified as a Variant of Uncertain Significance.

NM_001146.5(ANGPT1):c.1181T>C (p.Ile394Thr)

Gene: ANGPT1 (angiopoietin 1; minus strand). Cytogenetic location: 8q23.1.
Variant type: single nucleotide variant.
Coding change: c.1181T>C on transcript NM_001146.5 (MANE Select); coding-DNA position 1181, T replaced by C.
Protein change: p.Ile394Thr; replaces isoleucine 394 with threonine.
Molecular consequence: missense variant.
Genome position (GRCh38, 1-based): chr8:107,284,706, A>G on the plus strand (T>C on the coding strand, the complement: ANGPT1 is on the minus strand). VCF-style: chr8-107284706-A-G. GRCh37 (hg19) VCF-style: chr8-108296934-A-G.
Other names: c.1178T>C, p.Ile393Thr (NM_001199859.3); c.581T>C, p.Ile194Thr (NM_001314051.2); short protein forms I394T, I194T, I393T.
Identifiers: ClinVar variation 4725312 (VCV004725312.1).
Genomic context (GRCh38, chr8:107,284,706, plus strand): 5'-AAAGGTAGTCGAACACTACACTGTAGCATGACTTACCTATAGTTTTGCTTTTCATTTCCT[A>G]TGTGGAATCTGTCATACTGTGAATAGGCTCGGTTCCCTTCCCAGTCCATTAACTCAATTC-3'
Protein context (NP_001137.2, residues 384-404): RAYSQYDRFH[Ile394Thr]GNEKQNYRLY